The following is an entry in ClinVar:

ClinVar aggregate classification (germline): Uncertain significance (1 of 4 stars; one submission).

gnomAD v4.1: 8 of 1,613,996 alleles (0.0005%); highest among the groups gnomAD compares: Non-Finnish European, 0.00068%; no homozygotes.

Submission:

Mayo Clinic Laboratories, Mayo Clinic
Classification: Uncertain significance. Last evaluated: 2025-09-16. Review status: criteria provided, single submitter. Criteria: ACMG Guidelines, 2015. Collection method: clinical testing. Allele origin: germline. Observed: 1 variant allele.
Comment: BP4, PM2_supporting

NM_000298.6(PKLR):c.634C>T (p.Pro212Ser)

Gene: PKLR (pyruvate kinase L/R; minus strand). Cytogenetic location: 1q22.
Variant type: single nucleotide variant.
Coding change: c.634C>T on transcript NM_000298.6 (MANE Select); coding-DNA position 634, C replaced by T.
Protein change: p.Pro212Ser; replaces proline 212 with serine.
Molecular consequence: missense variant.
Genome position (GRCh38, 1-based): chr1:155,295,176, G>A on the plus strand (C>T on the coding strand, the complement: PKLR is on the minus strand). VCF-style: chr1-155295176-G-A. GRCh37 (hg19) VCF-style: chr1-155264967-G-A.
Other names: p.Pro212Ser; c.541C>T, p.Pro181Ser (NM_181871.4); short protein forms P181S, P212S.
Identifiers: ClinVar variation 4541549 (VCV004541549.1).